The following is an entry in ClinVar:

ClinVar aggregate classification (germline): Likely benign. Review status: criteria provided, multiple submitters, no conflicts (2 of 4 stars). 2 submissions from 2 submitters: Likely benign (2). Last evaluated 2025-03-19.

Conditions:
Charcot-Marie-Tooth disease, type I (CMT1). Also called: Charcot-Marie-Tooth, Type 1; Charcot-Marie-Tooth disease type 1. Identifiers: Orphanet 65753, MedGen C0751036, MONDO:0019011.

Allele frequency attached by ClinVar (database versions not stated): TOPMed below 0.00001.
gnomAD v4.1: 23 of 1,614,066 alleles (0.0014%); highest among the groups gnomAD compares: South Asian, 0.0077%; 1 homozygote.

Submissions (2):

Mayo Clinic Laboratories, Mayo Clinic
Classification: Likely benign. Last evaluated: 2025-03-19. Review status: criteria provided, single submitter. Criteria: ACMG Guidelines, 2015. Collection method: clinical testing. Allele origin: germline. Observed: 1 variant allele.
Comment: BP4, BP7

Labcorp Genetics (formerly Invitae), Labcorp
Classification: Likely benign for Charcot-Marie-Tooth disease, type I. Last evaluated: 2023-10-13. Review status: criteria provided, single submitter. Criteria: Invitae Variant Classification Sherloc (09022015). Collection method: clinical testing. Allele origin: germline.

NM_000304.4(PMP22):c.354G>A (p.Thr118=)

Gene: PMP22 (peripheral myelin protein 22; minus strand). Cytogenetic location: 17p12.
Variant type: single nucleotide variant.
Coding change: c.354G>A on transcript NM_000304.4 (MANE Select); coding-DNA position 354, G replaced by A.
Protein change: p.Thr118=; no amino-acid change (threonine 118 retained).
Molecular consequence: synonymous variant. On other transcripts: non-coding transcript variant (2).
Genome position (GRCh38, 1-based): chr17:15,231,046, C>T on the plus strand (G>A on the coding strand, the complement: PMP22 is on the minus strand). VCF-style: chr17-15231046-C-T. GRCh37 (hg19) VCF-style: chr17-15134363-C-T.
Other names: p.Thr118=; c.354G>A, p.Thr118= (NM_001281455.2, NM_001281456.2, NM_153321.3 and 1 more transcripts).
Identifiers: ClinVar variation 2842254 (VCV002842254.4), dbSNP rs776275784, ClinGen allele CA398739753.